The following is an entry in ClinVar:

ClinVar aggregate classification (germline): Uncertain significance. Review status: criteria provided, multiple submitters, no conflicts (2 of 4 stars). 4 submissions from 4 submitters: Uncertain significance (4). Last evaluated 2025-07-29.

Conditions:
Hypertrophic cardiomyopathy. Also called: HYPERTROPHIC MYOCARDIOPATHY. Identifiers: Orphanet 217569, MedGen C0007194, MeSH D002312, MONDO:0005045, HP:0001639.
Cardiovascular phenotype. Identifiers: MedGen CN230736.

Allele frequency attached by ClinVar (database versions not stated): gnomAD exomes below 0.00001; ExAC 0.00001.
gnomAD v4.1: 3 of 1,614,206 alleles (0.00019%); highest among the groups gnomAD compares: Non-Finnish European, 0.00025%; no homozygotes.

Submissions (4):

Ambry Genetics
Classification: Uncertain significance for Cardiovascular phenotype. Last evaluated: 2025-07-29. Review status: criteria provided, single submitter. Criteria: Ambry Variant Classification Scheme 2023. Collection method: clinical testing. Allele origin: germline.
Comment: The p.E152D variant (also known as c.456G>T), located in coding exon 4 of the MYL3 gene, results from a G to T substitution at nucleotide position 456. The glutamic acid at codon 152 is replaced by aspartic acid, an amino acid with highly similar properties. This variant was reported in individual(s) with features consistent with hypertrophic cardiomyopathy (Ambry internal data). This amino acid position is highly conserved in available vertebrate species. In addition, this alteration is predicted to be deleterious by in silico analysis. Based on the available evidence, the clinical significance of this variant remains unclear.

Labcorp Genetics (formerly Invitae), Labcorp
Classification: Uncertain significance for Hypertrophic cardiomyopathy. Last evaluated: 2025-06-18. Review status: criteria provided, single submitter. Criteria: Invitae Variant Classification Sherloc (09022015). Collection method: clinical testing. Allele origin: germline.
Comment: This sequence change replaces glutamic acid, which is acidic and polar, with aspartic acid, which is acidic and polar, at codon 152 of the MYL3 protein (p.Glu152Asp). This variant is present in population databases (rs777855362, gnomAD 0.0009%). This variant has not been reported in the literature in individuals affected with MYL3-related conditions. ClinVar contains an entry for this variant (Variation ID: 1189638). An algorithm developed to predict the effect of missense changes on protein structure and function (PolyPhen-2) suggests that this variant is likely to be disruptive. In summary, the available evidence is currently insufficient to determine the role of this variant in disease. Therefore, it has been classified as a Variant of Uncertain Significance.

GeneDx
Classification: Uncertain significance. Last evaluated: 2020-03-26. Review status: criteria provided, single submitter. Criteria: GeneDx Variant Classification Process June 2021. Collection method: clinical testing. Allele origin: germline. Affected: yes.
Comment: Has not been previously published as pathogenic or benign to our knowledge; Identified in patients with HCM referred for genetic testing at GeneDx; In silico analysis, which includes protein predictors and evolutionary conservation, supports a deleterious effect; Additional evidence, such as observation in significant number of affected individuals, segregation data, and/or functional data, would further clarify its pathogenicity; Not observed at a significant frequency in large population cohorts (Lek et al., 2016)

Blueprint Genetics
Classification: Uncertain significance. Last evaluated: 2018-12-03. Review status: criteria provided, single submitter. Criteria: ACMG Guidelines, 2015. Collection method: clinical testing. Allele origin: germline.

NM_000258.3(MYL3):c.456G>T (p.Glu152Asp)

Gene: MYL3 (myosin light chain 3; minus strand). Cytogenetic location: 3p21.31.
Variant type: single nucleotide variant.
Coding change: c.456G>T on transcript NM_000258.3 (MANE Select); coding-DNA position 456, G replaced by T.
Protein change: p.Glu152Asp; replaces glutamic acid 152 with aspartic acid.
Molecular consequence: missense variant.
Genome position (GRCh38, 1-based): chr3:46,859,500, C>A on the plus strand (G>T on the coding strand, the complement: MYL3 is on the minus strand). VCF-style: chr3-46859500-C-A. GRCh37 (hg19) VCF-style: chr3-46900990-C-A.
Other names: short protein forms E152D.
Identifiers: ClinVar variation 1189638 (VCV001189638.8), dbSNP rs777855362, ClinGen allele CA044187.